The following is an entry in ClinVar:

ClinVar aggregate classification (germline): Likely benign. Review status: criteria provided, multiple submitters, no conflicts (2 of 4 stars). 3 submissions from 3 submitters: Likely benign (3). Last evaluated 2026-05-01.

Allele frequency attached by ClinVar (database versions not stated): ExAC 0.00030; gnomAD exomes 0.00031; TOPMed 0.00033; gnomAD 0.00034 and 0.00039; ESP Exome Variant Server 0.00046; 1000 Genomes Project 30x 0.00109; 1000 Genomes Project 0.00120.
gnomAD v4.1: 822 of 1,614,066 alleles (0.051%); highest among the groups gnomAD compares: Non-Finnish European, 0.063%; 1 homozygote.

Submissions (3):

CeGaT Center for Human Genetics Tuebingen
Classification: Likely benign. Last evaluated: 2026-05-01. Review status: criteria provided, single submitter. Criteria: CeGaT Center For Human Genetics Tuebingen Variant Classification Criteria Version 2. Collection method: clinical testing. Allele origin: germline. Affected: yes. Observed: 3 variant alleles.
Comment: CAMTA1: BP4, BP7

Labcorp Genetics (formerly Invitae), Labcorp
Classification: Likely benign. Last evaluated: 2025-08-25. Review status: criteria provided, single submitter. Criteria: Invitae Variant Classification Sherloc (09022015). Collection method: clinical testing. Allele origin: germline.

Blueprint Genetics
Classification: Likely benign. Last evaluated: 2024-08-29. Review status: criteria provided, single submitter. Criteria: ACMG Guidelines, 2015. Collection method: clinical testing. Allele origin: germline.

NM_015215.4(CAMTA1):c.1314T>C (p.Asp438=)

Gene: CAMTA1 (calmodulin binding transcription activator 1; plus strand). Cytogenetic location: 1p36.23.
Variant type: single nucleotide variant.
Coding change: c.1314T>C on transcript NM_015215.4 (MANE Select); coding-DNA position 1314, T replaced by C.
Protein change: p.Asp438=; no amino-acid change (aspartic acid 438 retained).
Molecular consequence: synonymous variant.
Genome position (GRCh38, 1-based): chr1:7,663,861, T>C. VCF-style: chr1-7663861-T-C. GRCh37 (hg19) VCF-style: chr1-7723921-T-C.
Other names: c.1224T>C, p.Asp408= (NM_001349608.2, NM_001349612.2); c.1314T>C, p.Asp438= (NM_001349609.2, NM_001349610.2).
Identifiers: ClinVar variation 738748 (VCV000738748.31), dbSNP rs140476586, ClinGen allele CA566424.
Genomic context (GRCh38, chr1:7,663,861, plus strand): 5'-CAACCACCACCTCCTCTCACCTGACGCCTCTCAGGGCCTCGTCCTGGCCGTGAGCTCTGA[T>C]GGCCACAAGTTCGCCTTTCCCACCACGGGCAGCTCGGAGAGCCTGTCCATGCTGCCCACC-3'
Protein context (NP_056030.1, residues 428-448): SQGLVLAVSS[Asp438=]GHKFAFPTTG